The following is an entry in ClinVar:

ClinVar aggregate classification (germline): Uncertain significance. Review status: criteria provided, multiple submitters, no conflicts (2 of 4 stars). 2 submissions from 2 submitters: Uncertain significance (2). Last evaluated 2025-12-05.

Conditions:
Mosaic variegated aneuploidy syndrome 3 (MVA3). Identifiers: MedGen C4539839, MONDO:0054736, OMIM 617598.
Oocyte maturation defect 9. Also called: OOCYTE/ZYGOTE/EMBRYO MATURATION ARREST 9. Identifiers: MedGen C5436599, MONDO:0033565, OMIM 619011.

gnomAD v4.1: 37 of 1,613,160 alleles (0.0023%); highest among the groups gnomAD compares: East Asian, 0.02%; no homozygotes.

Submissions (2):

Labcorp Genetics (formerly Invitae), Labcorp
Classification: Uncertain significance. Last evaluated: 2025-12-05. Review status: criteria provided, single submitter. Criteria: Invitae Variant Classification Sherloc (09022015). Collection method: clinical testing. Allele origin: germline.
Comment: This sequence change replaces alanine, which is neutral and non-polar, with valine, which is neutral and non-polar, at codon 266 of the TRIP13 protein (p.Ala266Val). This variant is present in population databases (rs754712257, gnomAD 0.02%). This variant has not been reported in the literature in individuals affected with TRIP13-related conditions. ClinVar contains an entry for this variant (Variation ID: 3692190). An algorithm developed to predict the effect of missense changes on protein structure and function (PolyPhen-2) suggests that this variant is likely to be disruptive. In summary, the available evidence is currently insufficient to determine the role of this variant in disease. Therefore, it has been classified as a Variant of Uncertain Significance.

Juno Genomics, Hangzhou Juno Genomics, Inc
Classification: Uncertain significance for Oocyte maturation defect 9; Mosaic variegated aneuploidy syndrome 3. Review status: criteria provided, single submitter. Criteria: ACMG Guidelines, 2015. Collection method: clinical testing. Allele origin: germline.
Comment: Absent from controls (or at extremely low frequency if recessive) in Genome Aggregation Database.;Multiple lines of computational evidence support a deleterious effect on the gene or gene product.

NM_004237.4(TRIP13):c.797C>T (p.Ala266Val)

Gene: TRIP13 (thyroid hormone receptor interactor 13; plus strand). Cytogenetic location: 5p15.33.
Variant type: single nucleotide variant.
Coding change: c.797C>T on transcript NM_004237.4 (MANE Select); coding-DNA position 797, C replaced by T.
Protein change: p.Ala266Val; replaces alanine 266 with valine.
Molecular consequence: missense variant.
Genome position (GRCh38, 1-based): chr5:908,392, C>T. VCF-style: chr5-908392-C-T. GRCh37 (hg19) VCF-style: chr5-908507-C-T.
Other names: c.797C>T, p.Ala266Val (NM_001166260.2); short protein forms A266V.
Identifiers: ClinVar variation 3692190 (VCV003692190.4).